The following is an entry in ClinVar:

NM_004341.5(CAD):c.5968dup (p.Ala1990fs)

Gene: CAD (carbamoyl-phosphate synthetase 2, aspartate transcarbamylase, and dihydroorotase; plus strand). Cytogenetic location: 2p23.3.
Variant type: Duplication.
Coding change: c.5968dup on transcript NM_004341.5 (MANE Select); coding-DNA position 5968, one base duplicated (G; older notation c.5968dupG).
Protein change: p.Ala1990fs; shifts the reading frame from alanine 1990.
Molecular consequence: frameshift variant.
Genome position (GRCh38, 1-based): chr2:27,241,995, G duplicated. VCF-style (leftmost placement, unchanged base first): chr2-27241994-T-TG. GRCh37 (hg19) VCF-style: chr2-27464862-T-TG.
Other names: c.5779dup, p.Ala1927fs (NM_001306079.2); short protein forms A1927fs, A1990fs.
Identifiers: ClinVar variation 2843071 (VCV002843071.3), dbSNP rs2465367028, ClinGen allele CA2739274242.

ClinVar aggregate classification (germline): Pathogenic (1 of 4 stars; one submission).

Submission:

Labcorp Genetics (formerly Invitae), Labcorp
Classification: Pathogenic. Last evaluated: 2023-03-13. Review status: criteria provided, single submitter. Criteria: Invitae Variant Classification Sherloc (09022015). Collection method: clinical testing. Allele origin: germline.
Comment: For these reasons, this variant has been classified as Pathogenic. This variant has not been reported in the literature in individuals affected with CAD-related conditions. This variant is not present in population databases (gnomAD no frequency). This sequence change creates a premature translational stop signal (p.Ala1990Glyfs*20) in the CAD gene. It is expected to result in an absent or disrupted protein product. Loss-of-function variants in CAD are known to be pathogenic (PMID: 28007989, 32117025, 32820246, 33497533).

Literature cited by the submitters: PubMed 28007989; PubMed 32117025; PubMed 32820246; PubMed 33497533.